The following is an entry in ClinVar:

NM_002018.4(FLII):c.2133T>G (p.Ser711=)

Gene: FLII (FLII actin remodeling protein; minus strand). Cytogenetic location: 17p11.2.
Variant type: single nucleotide variant.
Coding change: c.2133T>G on transcript NM_002018.4 (MANE Select); coding-DNA position 2133, T replaced by G.
Protein change: p.Ser711=; no amino-acid change (serine 711 retained).
Molecular consequence: synonymous variant.
Genome position (GRCh38, 1-based): chr17:18,248,607, A>C on the plus strand (T>G on the coding strand, the complement: FLII is on the minus strand). VCF-style: chr17-18248607-A-C. GRCh37 (hg19) VCF-style: chr17-18151921-A-C.
Other names: c.2100T>G, p.Ser700= (NM_001256264.2); c.1968T>G, p.Ser656= (NM_001256265.2).
Identifiers: ClinVar variation 4534286 (VCV004534286.6).
Genomic context (GRCh38, chr17:18,248,607, plus strand): 5'-CACCTTGTACAGCTTGGGCTGCGGCGGCCAGAAGTCTTCAGGCACGTGCTTCTTGATCTC[A>C]GAGGGCTCCCCACCCAGTGCCTCCCAGAACTCTGGGAGCTCCTGGCCCTGCACCAGCAGT-3'
Protein context (NP_002009.1, residues 701-721): EFWEALGGEP[Ser711=]EIKKHVPEDF

ClinVar aggregate classification (germline): Likely benign (1 of 4 stars; one submission).

Submission:

CeGaT Center for Human Genetics Tuebingen
Classification: Likely benign. Last evaluated: 2025-11-01. Review status: criteria provided, single submitter. Criteria: CeGaT Center For Human Genetics Tuebingen Variant Classification Criteria Version 2. Collection method: clinical testing. Allele origin: germline. Affected: yes. Observed: 1 variant allele.
Comment: FLII: BP4, BP7